The following is an entry in ClinVar:

NM_001329943.3(KIAA0586):c.783A>G (p.Leu261=)

Gene: KIAA0586 (KIAA0586; plus strand). Cytogenetic location: 14q23.1.
Variant type: single nucleotide variant.
Coding change: c.783A>G on transcript NM_001329943.3 (MANE Select); coding-DNA position 783, A replaced by G.
Protein change: p.Leu261=; no amino-acid change (leucine 261 retained).
Molecular consequence: synonymous variant.
Genome position (GRCh38, 1-based): chr14:58,444,151, A>G. VCF-style: chr14-58444151-A-G. GRCh37 (hg19) VCF-style: chr14-58910869-A-G.
Other names: c.942A>G, p.Leu314= (NM_001244189.2); c.738A>G, p.Leu246= (NM_001244190.2); c.528A>G, p.Leu176= (NM_001244191.2, NM_001329945.2, NM_001364700.1 and 1 more transcripts); c.651A>G, p.Leu217= (NM_001244192.2); c.363A>G, p.Leu121= (NM_001244193.2); c.783A>G, p.Leu261= (NM_001329944.2, NM_001329946.2, NM_001329947.2 and 1 more transcripts).
Identifiers: ClinVar variation 1638535 (VCV001638535.13), dbSNP rs370332963, ClinGen allele CA7205469.
Genomic context (GRCh38, chr14:58,444,151, plus strand): 5'-TGATCACGAAAAGCAAATGAATGTGTTTATGGAGCAGCACATAAGGCATCTTGAAAAGTT[A>G]CAACAACAACAAATAGATATTCAGGTATCTGTAATAAATCCAGTACAGATTCCATAATCT-3'
Protein context (NP_001316872.1, residues 251-271): MEQHIRHLEK[Leu261=]QQQQIDIQTH

ClinVar aggregate classification (germline): Likely benign. Review status: criteria provided, multiple submitters, no conflicts (2 of 4 stars). 2 submissions from 2 submitters: Likely benign (2). Last evaluated 2025-12-01.

Conditions:
Short-rib thoracic dysplasia 14 with polydactyly (SRTD14). Identifiers: Orphanet 397715, MedGen C4225286, MONDO:0014688, OMIM 616546.
Joubert syndrome 23 (JBTS23). Identifiers: Orphanet 475, MedGen C4084822, MONDO:0014664, OMIM 616490.

Allele frequency attached by ClinVar (database versions not stated): gnomAD exomes 0.00002; ExAC 0.00004; gnomAD 0.00005 and 0.00006; TOPMed 0.00007; ESP Exome Variant Server 0.00033.
gnomAD v4.1: 13 of 1,609,108 alleles (0.00081%); highest among the groups gnomAD compares: African/African-American, 0.016%; no homozygotes.

Submissions (2):

CeGaT Center for Human Genetics Tuebingen
Classification: Likely benign. Last evaluated: 2025-12-01. Review status: criteria provided, single submitter. Criteria: CeGaT Center For Human Genetics Tuebingen Variant Classification Criteria Version 2. Collection method: clinical testing. Allele origin: germline. Affected: yes. Observed: 1 variant allele.
Comment: KIAA0586: BP4, BP7

Labcorp Genetics (formerly Invitae), Labcorp
Classification: Likely benign for Joubert syndrome 23; Short-rib thoracic dysplasia 14 with polydactyly. Last evaluated: 2025-08-19. Review status: criteria provided, single submitter. Criteria: Invitae Variant Classification Sherloc (09022015). Collection method: clinical testing. Allele origin: germline.